The following is an entry in ClinVar:

ClinVar aggregate classification (germline): Uncertain significance. Review status: criteria provided, multiple submitters, no conflicts (2 of 4 stars). 2 submissions from 2 submitters: Uncertain significance (2). Last evaluated 2023-07-27.

Conditions:
Hereditary cancer-predisposing syndrome. Also called: Hereditary Cancer Syndrome; Neoplastic Syndromes, Hereditary; Hereditary neoplastic syndrome; Tumor predisposition. Identifiers: Orphanet 140162, MedGen C0027672, MeSH D009386, MONDO:0015356.
Microcephaly, normal intelligence and immunodeficiency (NBS). Also called: Nijmegen breakage syndrome; Microcephaly with normal intelligence immunodeficiency and lymphoreticular malignancies; Nonsyndromal microcephaly autosomal recessive with normal intelligence; Seemanova syndrome 2; Immunodeficiency, microcephaly with normal intelligence; Ataxia telangiectasia variant V1. Identifiers: Orphanet 647, MedGen C0398791, MONDO:0009623, OMIM 251260.

Submissions (2):

Ambry Genetics
Classification: Uncertain significance for Hereditary cancer-predisposing syndrome. Last evaluated: 2023-07-27. Review status: criteria provided, single submitter. Criteria: Ambry Variant Classification Scheme 2023. Collection method: clinical testing. Allele origin: germline.
Comment: The p.E720Q variant (also known as c.2158G>C), located in coding exon 14 of the NBN gene, results from a G to C substitution at nucleotide position 2158. The glutamic acid at codon 720 is replaced by glutamine, an amino acid with highly similar properties. This amino acid position is highly conserved in available vertebrate species. In addition, this alteration is predicted to be tolerated by in silico analysis. Since supporting evidence is limited at this time, the clinical significance of this alteration remains unclear.

Labcorp Genetics (formerly Invitae), Labcorp
Classification: Uncertain significance for Microcephaly, normal intelligence and immunodeficiency. Last evaluated: 2021-10-27. Review status: criteria provided, single submitter. Criteria: Invitae Variant Classification Sherloc (09022015). Collection method: clinical testing. Allele origin: germline.
Comment: This sequence change replaces glutamic acid, a(n) acidic and polar amino acid, with glutamine, a(n) neutral and polar amino acid, at codon 720 of the NBN protein (p.Glu720Gln). This variant is not present in population databases (gnomAD no frequency). This variant has not been reported in the literature in individuals affected with NBN-related conditions. ClinVar contains an entry for this variant (Variation ID: 820812). Algorithms developed to predict the effect of missense changes on protein structure and function are either unavailable or do not agree on the potential impact of this missense change (SIFT: "Deleterious"; PolyPhen-2: "Possibly Damaging"; Align-GVGD: "Class C0"). In summary, the available evidence is currently insufficient to determine the role of this variant in disease. Therefore, it has been classified as a Variant of Uncertain Significance.

NM_002485.5(NBN):c.2158G>C (p.Glu720Gln)

Gene: NBN (nibrin; minus strand). Cytogenetic location: 8q21.3.
Variant type: single nucleotide variant.
Coding change: c.2158G>C on transcript NM_002485.5 (MANE Select); coding-DNA position 2158, G replaced by C.
Protein change: p.Glu720Gln; replaces glutamic acid 720 with glutamine.
Molecular consequence: missense variant.
Genome position (GRCh38, 1-based): chr8:89,943,279, C>G on the plus strand (G>C on the coding strand, the complement: NBN is on the minus strand). VCF-style: chr8-89943279-C-G. GRCh37 (hg19) VCF-style: chr8-90955507-C-G.
Other names: c.1912G>C, p.Glu638Gln (NM_001024688.3); short protein forms E638Q, E720Q.
Identifiers: ClinVar variation 820812 (VCV000820812.7), dbSNP rs876660294, ClinGen allele CA371675375.